The following is an entry in ClinVar:

ClinVar aggregate classification (germline): Pathogenic/Likely pathogenic. Review status: criteria provided, multiple submitters, no conflicts (2 of 4 stars). 5 submissions from 5 submitters: Pathogenic (1); Likely pathogenic (3). 1 of the submissions does not count toward it. Last evaluated 2025-10-09.

Conditions:
Bardet-Biedl syndrome (BBS). Identifiers: Orphanet 110, MedGen C0752166, MONDO:0015229.
BBS2-related ciliopathy. Identifiers: MedGen CN378634, MONDO:1040048.
Bardet-Biedl syndrome 2 (BBS2). Identifiers: Orphanet 110, MedGen C2936863, MONDO:0014432, OMIM 615981.
BBS2-related disorder. Also called: BBS2-related condition; BBS2-related disorders. Identifiers: MedGen CN239228.

Submissions (5):

PreventionGenetics, part of Exact Sciences
Classification: Likely pathogenic for BBS2-related condition. Last evaluated: 2025-10-09. Review status: criteria provided, single submitter. Criteria: ACMG Guidelines, 2015. Collection method: clinical testing. Allele origin: germline.
Comment: The BBS2 c.950A>G variant is predicted to result in the amino acid substitution p.Tyr317Cys. This variant has been reported in the homozygous state in two unrelated individuals with Bardet-Biedl syndrome (Deveault et al. 2011. PubMed ID: 21344540; Mohammed et al. 2023. PubMed ID: 37329217). An alternate missense change at the same amino acid position (p.Tyr317Ser) has been reported in the homozygous state in an individual with BBS2-related disease (Table S2, Petzold et al. 2023. PubMed ID: 37230223). This variant has not been reported in a large population database (gnomAD), indicating this variant is rare. This variant is interpreted as likely pathogenic.

Myriad Genetics, Inc.
Classification: Likely pathogenic for BBS2-related ciliopathy. Last evaluated: 2025-05-07. Review status: criteria provided, single submitter. Criteria: Myriad Autosomal Dominant, Autosomal Recessive and X-Linked Classification Criteria (2023). Collection method: clinical testing. Allele origin: unknown.
Comment: NM_031885.3(BBS2):c.950A>G(Y317C) is a missense variant classified as likely pathogenic in the context of Bardet-Biedl syndrome, BBS2-related. Y317C has been observed in cases with relevant disease (PMID: 21344540, 37329217, San_2023_(Thesis)). Relevant functional assessments of this variant are not available in the literature. Y317C has not been observed in referenced population frequency databases. In summary, NM_031885.3(BBS2):c.950A>G(Y317C) is a missense variant that has been observed more frequently in cases with the relevant disease than in healthy populations. Please note: this variant was assessed in the context of healthy population screening.

Labcorp Genetics (formerly Invitae), Labcorp
Classification: Pathogenic for Bardet-Biedl syndrome. Last evaluated: 2024-01-21. Review status: criteria provided, single submitter. Criteria: Invitae Variant Classification Sherloc (09022015). Collection method: clinical testing. Allele origin: germline.
Comment: This sequence change replaces tyrosine, which is neutral and polar, with cysteine, which is neutral and slightly polar, at codon 317 of the BBS2 protein (p.Tyr317Cys). This variant is not present in population databases (gnomAD no frequency). This missense change has been observed in individual(s) with clinical features of Bardet-Biedl syndrome (PMID: 21344540; Invitae). ClinVar contains an entry for this variant (Variation ID: 648475). Advanced modeling of protein sequence and biophysical properties (such as structural, functional, and spatial information, amino acid conservation, physicochemical variation, residue mobility, and thermodynamic stability) performed at Invitae indicates that this missense variant is expected to disrupt BBS2 protein function with a positive predictive value of 80%. For these reasons, this variant has been classified as Pathogenic.

Blueprint Genetics
Classification: Likely pathogenic for BBS2-related disorders. Last evaluated: 2019-11-08. Review status: criteria provided, single submitter. Criteria: ACMG Guidelines, 2015. Collection method: clinical testing. Allele origin: germline. Affected: yes. Observed: 2 variant alleles.

Natera, Inc.
Classification: Uncertain significance for Bardet-Biedl syndrome type 2. Last evaluated: 2021-09-16. Review status: no assertion criteria provided. Collection method: clinical testing. Allele origin: germline. Not counted in ClinVar's aggregate classification.

Literature cited by the submitters: PubMed 21344540 (cited by Labcorp Genetics (formerly Invitae), Labcorp).

NM_031885.5(BBS2):c.950A>G (p.Tyr317Cys)

Gene: BBS2 (Bardet-Biedl syndrome 2; minus strand). Cytogenetic location: 16q13.
Variant type: single nucleotide variant.
Coding change: c.950A>G on transcript NM_031885.5 (MANE Select); coding-DNA position 950, A replaced by G.
Protein change: p.Tyr317Cys; replaces tyrosine 317 with cysteine.
Molecular consequence: missense variant. On other transcripts: non-coding transcript variant (5).
Genome position (GRCh38, 1-based): chr16:56,502,447, T>C on the plus strand (A>G on the coding strand, the complement: BBS2 is on the minus strand). VCF-style: chr16-56502447-T-C. GRCh37 (hg19) VCF-style: chr16-56536359-T-C.
Other names: c.950A>G, p.Tyr317Cys (NM_001377456.1); short protein forms Y317C.
Identifiers: ClinVar variation 648475 (VCV000648475.12), dbSNP rs1597016660, ClinGen allele CA395980865.
Genomic context (GRCh38, chr16:56,502,447, plus strand): 5'-AGGTCCTGCTCTGCACTGGTGTCCATGAGGTTGCCCCTCATCTCAGCCGTGCCAGGCAGG[T>C]AGCCCCGGACTGAACAGAAGGAAAAAACCGCAAGTATAACCAGGTATACTTTTAGGTCAT-3'
Protein context (NP_114091.4, residues 307-327): CCSVDGEIRG[Tyr317Cys]LPGTAEMRGN